The following is an entry in ClinVar:

ClinVar aggregate classification (germline): Benign (1 of 4 stars; one submission).

Allele frequency attached by ClinVar (database versions not stated): gnomAD 0.96963 and 0.97030; TOPMed 0.97080; 1000 Genomes Project 30x 0.98251; 1000 Genomes Project 0.98283.
gnomAD v4.1: 147,754 of 152,308 alleles (97%); highest among the groups gnomAD compares: East Asian, 100%; 71,716 homozygotes.

Submission:

GeneDx
Classification: Benign. Last evaluated: 2018-06-18. Review status: criteria provided, single submitter. Criteria: GeneDx Variant Classification (06012015). Collection method: clinical testing. Allele origin: germline. Affected: yes.
Comment: This variant is considered likely benign or benign based on one or more of the following criteria: it is a conservative change, it occurs at a poorly conserved position in the protein, it is predicted to be benign by multiple in silico algorithms, and/or has population frequency not consistent with disease.

NM_182961.4(SYNE1):c.22044+281A>G

Gene: SYNE1 (spectrin repeat containing nuclear envelope protein 1; minus strand). Cytogenetic location: 6q25.2.
Variant type: single nucleotide variant.
Coding change: c.22044+281A>G on transcript NM_182961.4 (MANE Select); 281 bases into the intron after coding-DNA position 22044, A replaced by G.
Molecular consequence: intron variant.
Genome position (GRCh38, 1-based): chr6:152,218,722, T>C on the plus strand (A>G on the coding strand, the complement: SYNE1 is on the minus strand). VCF-style: chr6-152218722-T-C. GRCh37 (hg19) VCF-style: chr6-152539857-T-C.
Other names: c.21831+281A>G (NM_033071.5).
Identifiers: ClinVar variation 683973 (VCV000683973.1), dbSNP rs2813541, ClinGen allele CA150180610.